The following is an entry in ClinVar:

ClinVar aggregate classification (germline): Conflicting classifications of pathogenicity. Review status: criteria provided, conflicting classifications (1 of 4 stars). 2 submissions from 2 submitters: Uncertain significance (1); Likely benign (1). Last evaluated 2025-03-17.

Conditions:
Hereditary cancer-predisposing syndrome. Also called: Hereditary neoplastic syndrome; Tumor predisposition; Neoplastic Syndromes, Hereditary; Hereditary Cancer Syndrome. Identifiers: Orphanet 140162, MedGen C0027672, MeSH D009386, MONDO:0015356.
Rhabdoid tumor predisposition syndrome 2 (RTPS2). Identifiers: Orphanet 231108, Orphanet 69077, MedGen C2750074, MONDO:0013224, OMIM 613325.

Allele frequency attached by ClinVar (database versions not stated): ExAC 0.00002; gnomAD exomes 0.00002 and 0.00003.
gnomAD v4.1: 22 of 1,613,592 alleles (0.0014%); highest among the groups gnomAD compares: South Asian, 0.024%; no homozygotes.

Submissions (2):

Ambry Genetics
Classification: Likely benign for Hereditary cancer-predisposing syndrome. Last evaluated: 2025-03-17. Review status: criteria provided, single submitter. Criteria: Ambry Variant Classification Scheme 2023. Collection method: clinical testing. Allele origin: germline.

Labcorp Genetics (formerly Invitae), Labcorp
Classification: Uncertain significance for Rhabdoid tumor predisposition syndrome 2. Last evaluated: 2021-10-24. Review status: criteria provided, single submitter. Criteria: Invitae Variant Classification Sherloc (09022015). Collection method: clinical testing. Allele origin: germline.
Comment: This variant is present in population databases (rs780569107, ExAC 0.02%). This sequence change replaces proline with threonine at codon 674 of the SMARCA4 protein (p.Pro674Thr). The proline residue is highly conserved and there is a small physicochemical difference between proline and threonine. This variant has not been reported in the literature in individuals affected with SMARCA4-related conditions. Algorithms developed to predict the effect of missense changes on protein structure and function are either unavailable or do not agree on the potential impact of this missense change (SIFT: "Deleterious"; PolyPhen-2: "Benign"; Align-GVGD: "Class C0"). In summary, the available evidence is currently insufficient to determine the role of this variant in disease. Therefore, it has been classified as a Variant of Uncertain Significance.

NM_003072.5(SMARCA4):c.2020C>A (p.Pro674Thr)

Gene: SMARCA4 (SWI/SNF related BAF chromatin remodeling complex subunit ATPase 4; plus strand). Cytogenetic location: 19p13.2.
Variant type: single nucleotide variant.
Coding change: c.2020C>A on transcript NM_003072.5 (MANE Select); coding-DNA position 2020, C replaced by A.
Protein change: p.Pro674Thr; replaces proline 674 with threonine.
Molecular consequence: missense variant. On other transcripts: non-coding transcript variant (1).
Genome position (GRCh38, 1-based): chr19:11,007,920, C>A. VCF-style: chr19-11007920-C-A. GRCh37 (hg19) VCF-style: chr19-11118596-C-A.
Other names: c.2020C>A, p.Pro674Thr (NM_001128844.3, NM_001128845.2, NM_001128846.2 and 5 more transcripts); short protein forms P674T.
Identifiers: ClinVar variation 1350574 (VCV001350574.9), dbSNP rs780569107, ClinGen allele CA9203989.